The following is an entry in ClinVar:

NM_001164508.2(NEB):c.24388_24389del (p.Ser8130fs)

Genes: NEB (nebulin; minus strand), RIF1 (replication timing regulatory factor 1; plus strand). Cytogenetic location: 2q23.3.
Variant type: Deletion.
Coding change: c.24388_24389del on transcript NM_001164508.2 (MANE Select); coding-DNA positions 24388 to 24389, 2 bases deleted (AG; older notation c.24388_24389delAG).
Protein change: p.Ser8130fs; shifts the reading frame from serine 8130.
Molecular consequence: frameshift variant. On other transcripts: intron variant (1).
Genome position (GRCh38, 1-based): chr2:151,496,945-151,496,946, CT deleted on the plus strand (AG on the coding strand, the reverse complement: NEB is on the minus strand). VCF-style (leftmost placement, unchanged base first): chr2-151496944-GCT-G. GRCh37 (hg19) VCF-style: chr2-152353458-GCT-G.
Other names: NM_001164508.2:c.24388_24389del; c.24388_24389del, p.Ser8130fs (NM_001164507.2); c.24493_24494del, p.Ser8165fs (NM_001271208.2); c.18826-578_18826-577del (NM_004543.5); short protein forms S8130fs, S8165fs.
Identifiers: ClinVar variation 3776960 (VCV003776960.1).

ClinVar aggregate classification (germline): Likely pathogenic (1 of 4 stars; one submission).

Conditions:
Nemaline myopathy. Also called: Myopathies, Nemaline. Identifiers: Orphanet 607, MedGen C0206157, MONDO:0018958.

Submission:

Broad Center for Mendelian Genomics, Broad Institute of MIT and Harvard
Classification: Likely pathogenic for Nemaline myopathy. Last evaluated: 2025-02-25. Review status: criteria provided, single submitter. Criteria: ACMG Guidelines, 2015. Collection method: curation. Allele origin: germline. Inheritance: Autosomal recessive inheritance.
Comment: The p.Ser8130LeufsTer31 variant in NEB has been reported in one individual with nemaline myopathy (PMID: 25205138), and has been identified in 0.00009% (1/1155796) of European (non-Finnish) chromosomes by the Genome Aggregation Database (gnomAD). Although this variant has been seen in the general population in a heterozygous state, its frequency is low enough to be consistent with a recessive carrier frequency. This variant is predicted to cause a frameshift, which alters the protein‚Äôs amino acid sequence beginning at position 8130 and leads to a premature termination codon 31 amino acids downstream. This alteration is then predicted to lead to a truncated or absent protein. Loss of function of the NEB gene is an established disease mechanism in autosomal recessive nemaline myopathy. In summary, although additional studies are required to fully establish its clinical significance, this variant is likely pathogenic for autosomal recessive nemaline myopathy. ACMG/AMP Criteria applied: PVS1, PM2_supporting (Richards 2015).